The following is an entry in ClinVar:

NM_002234.4(KCNA5):c.1580C>T (p.Thr527Met)

Gene: KCNA5 (potassium voltage-gated channel subfamily A member 5; plus strand). Cytogenetic location: 12p13.32.
Variant type: single nucleotide variant.
Coding change: c.1580C>T on transcript NM_002234.4 (MANE Select); coding-DNA position 1580, C replaced by T.
Protein change: p.Thr527Met; replaces threonine 527 with methionine.
Molecular consequence: missense variant.
Genome position (GRCh38, 1-based): chr12:5,045,727, C>T. VCF-style: chr12-5045727-C-T. GRCh37 (hg19) VCF-style: chr12-5154893-C-T.
Other names: short protein forms T527M.
Identifiers: ClinVar variation 13470 (VCV000013470.17), dbSNP rs121908591, ClinGen allele CA123124.

ClinVar aggregate classification (germline): Uncertain significance. Review status: criteria provided, multiple submitters, no conflicts (2 of 4 stars). 5 submissions from 5 submitters: Uncertain significance (4). 1 of the submissions does not count toward it. Last evaluated 2026-01-27.

Conditions:
Atrial fibrillation, familial, 7 (ATFB7). Identifiers: MedGen C2677106, MONDO:0012828, OMIM 612240.

Allele frequency attached by ClinVar (database versions not stated): gnomAD 0.00010 and 0.00005; TOPMed 0.00013; gnomAD exomes 0.00014 and 0.00008; 1000 Genomes Project 30x 0.00094; ExAC 0.00024; 1000 Genomes Project 0.00100.

Submissions (5):

Labcorp Genetics (formerly Invitae), Labcorp
Classification: Uncertain significance for Atrial fibrillation, familial, 7. Last evaluated: 2026-01-27. Review status: criteria provided, single submitter. Criteria: Invitae Variant Classification Sherloc (09022015). Collection method: clinical testing. Allele origin: germline.
Comment: This sequence change replaces threonine, which is neutral and polar, with methionine, which is neutral and non-polar, at codon 527 of the KCNA5 protein (p.Thr527Met). This variant is present in population databases (rs121908591, gnomAD 0.2%), and has an allele count higher than expected for a pathogenic variant. This missense change has been observed in individual(s) with atrial fibrillation (PMID: 19343045, 20646426, 26129877, 34570182). It has also been observed to segregate with disease in related individuals. ClinVar contains an entry for this variant (Variation ID: 13470). Invitae Evidence Modeling of protein sequence and biophysical properties (such as structural, functional, and spatial information, amino acid conservation, physicochemical variation, residue mobility, and thermodynamic stability) indicates that this missense variant is not expected to disrupt KCNA5 protein function with a negative predictive value of 80%. Experimental studies have shown that this missense change affects KCNA5 function (PMID: 20646426, 26129877). In summary, the available evidence is currently insufficient to determine the role of this variant in disease. Therefore, it has been classified as a Variant of Uncertain Significance.

Fulgent Genetics
Classification: Uncertain significance for Atrial fibrillation, familial, 7. Last evaluated: 2021-09-21. Review status: criteria provided, single submitter. Criteria: ACMG Guidelines, 2015. Collection method: clinical testing. Allele origin: unknown.

Eurofins Ntd Llc (ga)
Classification: Uncertain significance. Last evaluated: 2016-04-15. Review status: criteria provided, single submitter. Criteria: EGL Classification Definitions 2015. Collection method: clinical testing. Allele origin: germline. Observed: 1 variant allele, 1 heterozygote.

Juno Genomics, Hangzhou Juno Genomics, Inc
Classification: Uncertain significance for Atrial fibrillation, familial, 7. Review status: criteria provided, single submitter. Criteria: ACMG Guidelines, 2015. Collection method: clinical testing. Allele origin: germline.
Comment: The prevalence of the variant in affected individuals is significantly increased compared to the prevalence in controls.;Co-segregation with disease in multiple affected family members.;Well-established in vitro or in vivo functional studies supportive of a damaging effect on the gene or gene product.

OMIM
Classification: Pathogenic for ATRIAL FIBRILLATION, FAMILIAL, 7. Last evaluated: 2009-05-01. Review status: no assertion criteria provided. Collection method: literature only. Allele origin: germline. Not counted in ClinVar's aggregate classification.

Literature cited by the submitters: PubMed 19343045 (cited by Labcorp Genetics (formerly Invitae), Labcorp and OMIM); PubMed 20646426 (cited by Labcorp Genetics (formerly Invitae), Labcorp); PubMed 26129877 (cited by Labcorp Genetics (formerly Invitae), Labcorp); PubMed 34570182 (cited by Labcorp Genetics (formerly Invitae), Labcorp).